The following is an entry in ClinVar:

NM_031220.4(PITPNM3):c.2830G>A (p.Ala944Thr)

Gene: PITPNM3 (PITPNM family member 3; minus strand). Cytogenetic location: 17p13.2.
Variant type: single nucleotide variant.
Coding change: c.2830G>A on transcript NM_031220.4 (MANE Select); coding-DNA position 2830, G replaced by A.
Protein change: p.Ala944Thr; replaces alanine 944 with threonine.
Molecular consequence: missense variant.
Genome position (GRCh38, 1-based): chr17:6,455,433, C>T on the plus strand (G>A on the coding strand, the complement: PITPNM3 is on the minus strand). VCF-style: chr17-6455433-C-T. GRCh37 (hg19) VCF-style: chr17-6358753-C-T.
Other names: c.2722G>A, p.Ala908Thr (NM_001165966.2); short protein forms A908T, A944T.
Identifiers: ClinVar variation 3640061 (VCV003640061.2).

ClinVar aggregate classification (germline): Uncertain significance (1 of 4 stars; one submission).

Submission:

Labcorp Genetics (formerly Invitae), Labcorp
Classification: Uncertain significance. Last evaluated: 2024-02-10. Review status: criteria provided, single submitter. Criteria: Invitae Variant Classification Sherloc (09022015). Collection method: clinical testing. Allele origin: germline.
Comment: This sequence change replaces alanine, which is neutral and non-polar, with threonine, which is neutral and polar, at codon 944 of the PITPNM3 protein (p.Ala944Thr). This variant is not present in population databases (gnomAD no frequency). This variant has not been reported in the literature in individuals affected with PITPNM3-related conditions. Advanced modeling of protein sequence and biophysical properties (such as structural, functional, and spatial information, amino acid conservation, physicochemical variation, residue mobility, and thermodynamic stability) performed at Invitae indicates that this missense variant is not expected to disrupt PITPNM3 protein function with a negative predictive value of 80%. In summary, the available evidence is currently insufficient to determine the role of this variant in disease. Therefore, it has been classified as a Variant of Uncertain Significance.